The following is an entry in ClinVar:

ClinVar aggregate classification (germline): Likely benign. Review status: criteria provided, multiple submitters, no conflicts (2 of 4 stars). 3 submissions from 3 submitters: Likely benign (3). Last evaluated 2026-02-01.

Conditions:
Inborn genetic diseases. Identifiers: MedGen C0950123, MeSH D030342.
Congenital muscular hypertrophy-cerebral syndrome (CDLS2). Also called: Cornelia de Lange syndrome 2; SMC1A-Related Cornelia de Lange Syndrome. Identifiers: Orphanet 199, MedGen C1802395, MONDO:0010370, OMIM 300590.

Allele frequency attached by ClinVar (database versions not stated): TOPMed 0.00002; ExAC 0.00003; gnomAD exomes 0.00003 and 0.00004; gnomAD 0.00004; ESP Exome Variant Server 0.00009.
gnomAD v4.1: 36 of 1,209,879 alleles (0.003%); highest among the groups gnomAD compares: Admixed American, 0.015%; no homozygotes.

Submissions (3):

CeGaT Center for Human Genetics Tuebingen
Classification: Likely benign. Last evaluated: 2026-02-01. Review status: criteria provided, single submitter. Criteria: CeGaT Center For Human Genetics Tuebingen Variant Classification Criteria Version 2. Collection method: clinical testing. Allele origin: germline. Affected: yes. Observed: 2 variant alleles.
Comment: SMC1A: BS2

Labcorp Genetics (formerly Invitae), Labcorp
Classification: Likely benign for Congenital muscular hypertrophy-cerebral syndrome. Last evaluated: 2025-04-10. Review status: criteria provided, single submitter. Criteria: Invitae Variant Classification Sherloc (09022015). Collection method: clinical testing. Allele origin: germline.

Ambry Genetics
Classification: Likely benign for Inborn genetic diseases. Last evaluated: 2018-12-22. Review status: criteria provided, single submitter. Criteria: Ambry Variant Classification Scheme 2023. Collection method: clinical testing. Allele origin: germline.

NM_006306.4(SMC1A):c.3390C>T (p.Gly1130=)

Gene: SMC1A (structural maintenance of chromosomes 1A; minus strand). Cytogenetic location: Xp11.22.
Variant type: single nucleotide variant.
Coding change: c.3390C>T on transcript NM_006306.4 (MANE Select); coding-DNA position 3390, C replaced by T.
Protein change: p.Gly1130=; no amino-acid change (glycine 1130 retained).
Molecular consequence: synonymous variant.
Genome position (GRCh38, 1-based): chrX:53,382,279, G>A on the plus strand (C>T on the coding strand, the complement: SMC1A is on the minus strand). VCF-style: chrX-53382279-G-A. GRCh37 (hg19) VCF-style: chrX-53409200-G-A.
Other names: c.3324C>T, p.Gly1108= (NM_001281463.1).
Identifiers: ClinVar variation 663717 (VCV000663717.52), dbSNP rs374246357, ClinGen allele CA10420302.